The following is an entry in ClinVar:

ClinVar aggregate classification (germline): Uncertain significance (1 of 4 stars; one submission).

Conditions:
Early-infantile DEE. Also called: Ohtahara syndrome; Early infantile epileptic encephalopathy; Early infantile epileptic encephalopathy with suppression bursts. Identifiers: Orphanet 1934, MedGen C0393706, MONDO:0800491.

Allele frequency attached by ClinVar (database versions not stated): gnomAD exomes 0.00001; gnomAD 0.00002; ExAC 0.00003; TOPMed below 0.00001.
gnomAD v4.1: 11 of 1,607,848 alleles (0.00068%); no homozygotes.

Submission:

Labcorp Genetics (formerly Invitae), Labcorp
Classification: Uncertain significance for Early-infantile DEE. Last evaluated: 2024-11-13. Review status: criteria provided, single submitter. Criteria: Invitae Variant Classification Sherloc (09022015). Collection method: clinical testing. Allele origin: germline.
Comment: This sequence change replaces arginine, which is basic and polar, with cysteine, which is neutral and slightly polar, at codon 635 of the SCN8A protein (p.Arg635Cys). This variant is present in population databases (rs749983172, gnomAD 0.02%). This variant has not been reported in the literature in individuals affected with SCN8A-related conditions. ClinVar contains an entry for this variant (Variation ID: 2885432). Invitae Evidence Modeling of protein sequence and biophysical properties (such as structural, functional, and spatial information, amino acid conservation, physicochemical variation, residue mobility, and thermodynamic stability) indicates that this missense variant is not expected to disrupt SCN8A protein function with a negative predictive value of 95%. In summary, the available evidence is currently insufficient to determine the role of this variant in disease. Therefore, it has been classified as a Variant of Uncertain Significance.

NM_001330260.2(SCN8A):c.1903C>T (p.Arg635Cys)

Gene: SCN8A (sodium voltage-gated channel alpha subunit 8; plus strand). Cytogenetic location: 12q13.13.
Variant type: single nucleotide variant.
Coding change: c.1903C>T on transcript NM_001330260.2 (MANE Select); coding-DNA position 1903, C replaced by T.
Protein change: p.Arg635Cys; replaces arginine 635 with cysteine.
Molecular consequence: missense variant.
Genome position (GRCh38, 1-based): chr12:51,721,813, C>T. VCF-style: chr12-51721813-C-T. GRCh37 (hg19) VCF-style: chr12-52115597-C-T.
Other names: c.1903C>T, p.Arg635Cys (NM_001177984.3, NM_001369788.1, NM_014191.4); short protein forms R635C.
Identifiers: ClinVar variation 2885432 (VCV002885432.3), dbSNP rs749983172, ClinGen allele CA6571358.